The following is an entry in ClinVar:

ClinVar aggregate classification (germline): Likely benign (1 of 4 stars; one submission).

Allele frequency attached by ClinVar (database versions not stated): ESP Exome Variant Server 0.00100; gnomAD 0.00147; ExAC 0.00150; 1000 Genomes Project 30x 0.00156; 1000 Genomes Project 0.00160; TOPMed 0.00167; gnomAD exomes 0.00169.
gnomAD v4.1: 2,699 of 1,614,188 alleles (0.17%); highest among the groups gnomAD compares: Admixed American, 0.36%; 1 homozygote.

Submission:

CeGaT Center for Human Genetics Tuebingen
Classification: Likely benign. Last evaluated: 2022-08-01. Review status: criteria provided, single submitter. Criteria: CeGaT Center For Human Genetics Tuebingen Variant Classification Criteria Version 2. Collection method: clinical testing. Allele origin: germline. Affected: yes. Observed: 2 variant alleles.
Comment: TET1: BP4, BP7

NM_030625.3(TET1):c.2823C>T (p.Leu941=)

Gene: TET1 (tet methylcytosine dioxygenase 1; plus strand). Cytogenetic location: 10q21.3.
Variant type: single nucleotide variant.
Coding change: c.2823C>T on transcript NM_030625.3 (MANE Select); coding-DNA position 2823, C replaced by T.
Protein change: p.Leu941=; no amino-acid change (leucine 941 retained).
Molecular consequence: synonymous variant. On other transcripts: intron variant (4).
Genome position (GRCh38, 1-based): chr10:68,645,552, C>T. VCF-style: chr10-68645552-C-T. GRCh37 (hg19) VCF-style: chr10-70405309-C-T.
Other names: c.2823C>T, p.Leu941= (NM_001406365.1); c.912C>T, p.Leu304= (NM_001406367.1); c.810C>T, p.Leu270= (NM_001406368.1, NM_001406369.1, NM_001406370.1 and 2 more transcripts); c.1969-21493C>T (NM_001406373.1, NM_001406374.1); c.-80-6294C>T (NM_001406375.1, NM_001406376.1).
Identifiers: ClinVar variation 2640533 (VCV002640533.24), dbSNP rs113056971, ClinGen allele CA5526336.